The following is an entry in ClinVar:

ClinVar aggregate classification (germline): Pathogenic (1 of 4 stars; one submission).

Conditions:
Intellectual disability, CASK-related, X-linked. Identifiers: MedGen CN043158.

Submission:

Labcorp Genetics (formerly Invitae), Labcorp
Classification: Pathogenic for Intellectual disability, CASK-related, X-linked. Last evaluated: 2024-04-22. Review status: criteria provided, single submitter. Criteria: Invitae Variant Classification Sherloc (09022015). Collection method: clinical testing. Allele origin: germline.
Comment: This sequence change creates a premature translational stop signal (p.Glu873*) in the CASK gene. While this is not anticipated to result in nonsense mediated decay, it is expected to disrupt the last 49 amino acid(s) of the CASK protein. This variant is not present in population databases (gnomAD no frequency). This variant has not been reported in the literature in individuals affected with CASK-related conditions. Algorithms developed to predict the effect of sequence changes on RNA splicing suggest that this variant may disrupt the consensus splice site. This variant disrupts a region of the CASK protein in which other variant(s) (p.Gln878*) have been determined to be pathogenic (PMID: 21735175). This suggests that this is a clinically significant region of the protein, and that variants that disrupt it are likely to be disease-causing. For these reasons, this variant has been classified as Pathogenic.

Literature cited by the submitters: PubMed 21735175.

NM_001367721.1(CASK):c.2632G>T (p.Glu878Ter)

Genes: CASK (calcium/calmodulin dependent serine protein kinase; minus strand), CASK-AS1 (CASK antisense RNA 1; plus strand). Cytogenetic location: Xp11.4.
Variant type: single nucleotide variant.
Coding change: c.2632G>T on transcript NM_001367721.1 (MANE Select); coding-DNA position 2632, G replaced by T.
Protein change: p.Glu878Ter; replaces glutamic acid 878 with a stop codon.
Molecular consequence: nonsense.
Genome position (GRCh38, 1-based): chrX:41,520,569, C>A on the plus strand (G>T on the coding strand, the complement: CASK is on the minus strand). VCF-style: chrX-41520569-C-A. GRCh37 (hg19) VCF-style: chrX-41379822-C-A.
Other names: c.2548G>T, p.Glu850Ter (NM_001126054.3); c.2545G>T, p.Glu849Ter (NM_001126055.3); c.2614G>T, p.Glu872Ter (NM_001410745.1); c.2617G>T, p.Glu873Ter (NM_003688.4); short protein forms E850*, E872*, E849*, E873*, E878*.
Identifiers: ClinVar variation 3650620 (VCV003650620.2).